The following is an entry in ClinVar:

NM_175875.5(SIX5):c.1190A>G (p.Glu397Gly)

Gene: SIX5 (SIX homeobox 5; minus strand). Cytogenetic location: 19q13.32.
Variant type: single nucleotide variant.
Coding change: c.1190A>G on transcript NM_175875.5 (MANE Select); coding-DNA position 1190, A replaced by G.
Protein change: p.Glu397Gly; replaces glutamic acid 397 with glycine.
Molecular consequence: missense variant.
Genome position (GRCh38, 1-based): chr19:45,766,769, T>C on the plus strand (A>G on the coding strand, the complement: SIX5 is on the minus strand). VCF-style: chr19-45766769-T-C. GRCh37 (hg19) VCF-style: chr19-46270027-T-C.
Other names: short protein forms E397G.
Identifiers: ClinVar variation 1998805 (VCV001998805.4), dbSNP rs2513600956, ClinGen allele CA406419128.
Genomic context (GRCh38, chr19:45,766,769, plus strand): 5'-AGGGCTGGTCCCGGAGCAGCCACCTGGGCCCCTTTGGTCTCAGGGGCCTCCGACTGAGCC[T>C]CCTCCAGCCGCACCTCCCCTGTCTGAGGGTCCAGGACCAGAGAGGTCTTGGTCTCGCTGG-3'
Protein context (NP_787071.3, residues 387-407): DPQTGEVRLE[Glu397Gly]AQSEAPETKG

ClinVar aggregate classification (germline): Uncertain significance (1 of 4 stars; one submission).

gnomAD v4.1: 1 of 1,580,552 alleles (0.000063%); highest among the groups gnomAD compares: East Asian, 0.0023%; no homozygotes.

Submission:

Labcorp Genetics (formerly Invitae), Labcorp
Classification: Uncertain significance. Last evaluated: 2022-05-25. Review status: criteria provided, single submitter. Criteria: Invitae Variant Classification Sherloc (09022015). Collection method: clinical testing. Allele origin: germline.
Comment: In summary, the available evidence is currently insufficient to determine the role of this variant in disease. Therefore, it has been classified as a Variant of Uncertain Significance. Algorithms developed to predict the effect of missense changes on protein structure and function are either unavailable or do not agree on the potential impact of this missense change (SIFT: "Deleterious"; PolyPhen-2: "Possibly Damaging"; Align-GVGD: "Class C0"). This variant has not been reported in the literature in individuals affected with SIX5-related conditions. This sequence change replaces glutamic acid, which is acidic and polar, with glycine, which is neutral and non-polar, at codon 397 of the SIX5 protein (p.Glu397Gly). This variant is not present in population databases (gnomAD no frequency).